The following is an entry in ClinVar:

ClinVar aggregate classification (germline): Likely benign (0 of 4 stars; one submission).

Conditions:
MGAM-related disorder. Also called: MGAM-related condition.

gnomAD v4.1: 145 of 1,613,798 alleles (0.009%); highest among the groups gnomAD compares: Admixed American, 0.14%; no homozygotes.

Submission:

PreventionGenetics, part of Exact Sciences
Classification: Likely benign for MGAM-related condition. Last evaluated: 2024-09-12. Review status: no assertion criteria provided. Collection method: clinical testing. Allele origin: germline.
Comment: This variant is classified as likely benign based on ACMG/AMP sequence variant interpretation guidelines (Richards et al. 2015 PMID: 25741868, with internal and published modifications).

NM_001365693.1(MGAM):c.2697T>C (p.Phe899=)

Gene: MGAM (maltase-glucoamylase; plus strand). Cytogenetic location: 7q34.
Variant type: single nucleotide variant.
Coding change: c.2697T>C on transcript NM_001365693.1 (MANE Select); coding-DNA position 2697, T replaced by C.
Protein change: p.Phe899=; no amino-acid change (phenylalanine 899 retained).
Molecular consequence: synonymous variant.
Genome position (GRCh38, 1-based): chr7:142,050,756, T>C. VCF-style: chr7-142050756-T-C. GRCh37 (hg19) VCF-style: chr7-141750556-T-C.
Other names: c.2697T>C, p.Phe899= (NM_004668.3).
Identifiers: ClinVar variation 3344078 (VCV003344078.1).
Genomic context (GRCh38, chr7:142,050,756, plus strand): 5'-GAACCGCTTGGAGGTGAATATTTCACAATCAACCTACAAGGACCCCAATAATTTAGCATT[T>C]AATGAGATTAAAATTCTTGGGACGGAGGAACCTAGCAATGTTACAGTGAAACACAATGGT-3'
Protein context (NP_001352622.1, residues 889-909): STYKDPNNLA[Phe899=]NEIKILGTEE